The following is an entry in ClinVar:

ClinVar aggregate classification (germline): Uncertain significance (1 of 4 stars; one submission).

Conditions:
Neutral lipid storage myopathy (NLSDM). Also called: NEUTRAL LIPID STORAGE DISEASE WITHOUT ICHTHYOSIS. Identifiers: Orphanet 98908, MedGen C1853136, MONDO:0012545, OMIM 610717.

Submission:

Labcorp Genetics (formerly Invitae), Labcorp
Classification: Uncertain significance for Neutral lipid storage myopathy. Last evaluated: 2022-06-27. Review status: criteria provided, single submitter. Criteria: Invitae Variant Classification Sherloc (09022015). Collection method: clinical testing. Allele origin: germline.
Comment: In summary, the available evidence is currently insufficient to determine the role of this variant in disease. Therefore, it has been classified as a Variant of Uncertain Significance. Algorithms developed to predict the effect of missense changes on protein structure and function (SIFT, PolyPhen-2, Align-GVGD) all suggest that this variant is likely to be tolerated. This variant has not been reported in the literature in individuals affected with PNPLA2-related conditions. This variant is not present in population databases (gnomAD no frequency). This sequence change replaces arginine, which is basic and polar, with glycine, which is neutral and non-polar, at codon 380 of the PNPLA2 protein (p.Arg380Gly).

NM_020376.4(PNPLA2):c.1138C>G (p.Arg380Gly)

Gene: PNPLA2 (patatin like domain 2, triacylglycerol lipase; plus strand). Cytogenetic location: 11p15.5.
Variant type: single nucleotide variant.
Coding change: c.1138C>G on transcript NM_020376.4 (MANE Select); coding-DNA position 1138, C replaced by G.
Protein change: p.Arg380Gly; replaces arginine 380 with glycine.
Molecular consequence: missense variant.
Genome position (GRCh38, 1-based): chr11:824,399, C>G. VCF-style: chr11-824399-C-G. GRCh37 (hg19) VCF-style: chr11-824399-C-G.
Other names: short protein forms R380G.
Identifiers: ClinVar variation 1440498 (VCV001440498.6), dbSNP rs767225998, ClinGen allele CA378984059.
Genomic context (GRCh38, chr11:824,399, plus strand): 5'-CCCGAGGACATCCGGTGGATGAAGGAGCAGACGGGCAGCATCTGCCAGTACCTGGTGATG[C>G]GCGCCAAGAGGAAGCTGGGCAGGCACCTGCCCTCCAGGTGAGCCGCCGACCGCGCGTCCA-3'
Protein context (NP_065109.1, residues 370-390): TGSICQYLVM[Arg380Gly]AKRKLGRHLP